The following is an entry in ClinVar:

NM_001297.5(CNGB1):c.2910del (p.Met970fs)

Gene: CNGB1 (cyclic nucleotide gated channel subunit beta 1; minus strand). Cytogenetic location: 16q21.
Variant type: Deletion.
Coding change: c.2910del on transcript NM_001297.5 (MANE Select); coding-DNA position 2910, one base deleted (G; older notation c.2910delG).
Protein change: p.Met970fs; shifts the reading frame from methionine 970.
Molecular consequence: frameshift variant.
Genome position (GRCh38, 1-based): chr16:57,901,418, C deleted on the plus strand (G on the coding strand, the reverse complement: CNGB1 is on the minus strand). VCF-style (leftmost placement, unchanged base first): chr16-57901417-TC-T. GRCh37 (hg19) VCF-style: chr16-57935321-TC-T.
Other names: c.2892del, p.Met964fs (NM_001286130.2); short protein forms M964fs, M970fs.
Identifiers: ClinVar variation 1416106 (VCV001416106.6), dbSNP rs2149357361, ClinGen allele CA2573152482.
Genomic context (GRCh38, chr16:57,901,417, plus strand): 5'-TGCACACATAGTCGTTGGGCAGGTAGACAACAGAGCGAAGCCTCTTCAGCATGTCAAAGA[TC>T]ATCTGCCGGTCACAGCCCTGTCCCGGTGAGGAAGGGAAAGGAACTTTTTAGAGAAGATTG-3'

ClinVar aggregate classification (germline): Pathogenic (1 of 4 stars; one submission).

Submission:

Labcorp Genetics (formerly Invitae), Labcorp
Classification: Pathogenic. Last evaluated: 2021-10-13. Review status: criteria provided, single submitter. Criteria: Invitae Variant Classification Sherloc (09022015). Collection method: clinical testing. Allele origin: germline.
Comment: This sequence change creates a premature translational stop signal (p.Met970Ilefs*6) in the CNGB1 gene. It is expected to result in an absent or disrupted protein product. Loss-of-function variants in CNGB1 are known to be pathogenic (PMID: 15557452, 24043777). This variant is not present in population databases (ExAC no frequency). This variant has not been reported in the literature in individuals affected with CNGB1-related conditions. For these reasons, this variant has been classified as Pathogenic.

Literature cited by the submitters: PubMed 15557452; PubMed 24043777.